The following is an entry in ClinVar:

ClinVar aggregate classification (germline): Uncertain significance (1 of 4 stars; one submission).

Submission:

Labcorp Genetics (formerly Invitae), Labcorp
Classification: Uncertain significance. Last evaluated: 2023-08-04. Review status: criteria provided, single submitter. Criteria: Invitae Variant Classification Sherloc (09022015). Collection method: clinical testing. Allele origin: germline.
Comment: This sequence change replaces arginine, which is basic and polar, with threonine, which is neutral and polar, at codon 985 of the CENPJ protein (p.Arg985Thr). This variant is not present in population databases (gnomAD no frequency). This variant has not been reported in the literature in individuals affected with CENPJ-related conditions. ClinVar contains an entry for this variant (Variation ID: 2104387). Advanced modeling of protein sequence and biophysical properties (such as structural, functional, and spatial information, amino acid conservation, physicochemical variation, residue mobility, and thermodynamic stability) performed at Invitae indicates that this missense variant is expected to disrupt CENPJ protein function. In summary, the available evidence is currently insufficient to determine the role of this variant in disease. Therefore, it has been classified as a Variant of Uncertain Significance.

NM_018451.5(CPAP):c.2954G>C (p.Arg985Thr)

Gene: CPAP (centrosome assembly and centriole elongation protein; minus strand). Cytogenetic location: 13q12.12.
Variant type: single nucleotide variant.
Coding change: c.2954G>C on transcript NM_018451.5 (MANE Select); coding-DNA position 2954, G replaced by C.
Protein change: p.Arg985Thr; replaces arginine 985 with threonine.
Molecular consequence: missense variant. On other transcripts: non-coding transcript variant (2).
Genome position (GRCh38, 1-based): chr13:24,899,456, C>G on the plus strand (G>C on the coding strand, the complement: CPAP is on the minus strand). VCF-style: chr13-24899456-C-G. GRCh37 (hg19) VCF-style: chr13-25473594-C-G.
Other names: short protein forms R985T.
Identifiers: ClinVar variation 2104387 (VCV002104387.4), dbSNP rs2541660779, ClinGen allele CA387582510.
Genomic context (GRCh38, chr13:24,899,456, plus strand): 5'-TATAACATAAAGAACTAGCATACCTGTATTTCTTCACGTTCCTTTTTATCTGGAAAAGTT[C>G]TTGCAGCTGTAGTATACTTTTCAAAAACTTTACGTTCCTTTTGTAGCTTCCTCATCTCCT-3'
Protein context (NP_060921.3, residues 975-995): KVFEKYTTAA[Arg985Thr]TFPDKKEREE